The following is an entry in ClinVar:

NM_000540.3(RYR1):c.370C>T (p.Arg124Cys)

Gene: RYR1 (ryanodine receptor 1; plus strand). Cytogenetic location: 19q13.2.
Variant type: single nucleotide variant.
Coding change: c.370C>T on transcript NM_000540.3 (MANE Select); coding-DNA position 370, C replaced by T.
Protein change: p.Arg124Cys; replaces arginine 124 with cysteine.
Molecular consequence: missense variant.
Genome position (GRCh38, 1-based): chr19:38,443,742, C>T. VCF-style: chr19-38443742-C-T. GRCh37 (hg19) VCF-style: chr19-38934382-C-T.
Other names: c.370C>T, p.Arg124Cys (NM_001042723.2); short protein forms R124C.
Identifiers: ClinVar variation 842089 (VCV000842089.13), dbSNP rs765121148, ClinGen allele CA065096.

ClinVar aggregate classification (germline): Uncertain significance. Review status: criteria provided, multiple submitters, no conflicts (2 of 4 stars). 6 submissions from 6 submitters: Uncertain significance (6). Last evaluated 2026-10-16.

Conditions:
Malignant hyperthermia, susceptibility to, 1 (MHS1). Also called: RYR1-Related Malignant Hyperthermia Susceptibility; Anesthesia related hyperthermia; Malignant hyperpyrexia; Fulminating hyperpyrexia; Pharmacogenic myopathy; Malignant hyperthermia suceptibility 1. Identifiers: Orphanet 423, MedGen C2930980, MONDO:0007783, OMIM 145600.
Congenital myopathy with fiber type disproportion. Also called: Congenital fiber-type disproportion myopathy; Congenital fiber-type disproportion. Identifiers: Orphanet 2020, MedGen C0546264, MONDO:0009711. Inheritance: all.
Central core myopathy (CMYO1A). Also called: CONGENITAL MYOPATHY 1A, AUTOSOMAL DOMINANT, WITH SUSCEPTIBILITY TO MALIGNANT HYPERTHERMIA; Central core disease; Myopathy, central fibrillar. Identifiers: Orphanet 597, MedGen C5830701, MONDO:0007294, OMIM 117000.
Congenital multicore myopathy with external ophthalmoplegia (CMYO1B). Also called: MULTIMINICORE DISEASE WITH EXTERNAL OPHTHALMOPLEGIA; Minicore myopathy with external ophthalmoplegia; Congenital myopathy 1B, autosomal recessive; Minicore myopathy; MULTICORE MYOPATHY. Identifiers: Orphanet 598, Orphanet 98905, MedGen C1850674, MONDO:0009712, OMIM 255320, HP:0003789.
King Denborough syndrome (KDS). Identifiers: MedGen C1840365, MONDO:0020485, OMIM 619542.
RYR1-related disorder. Also called: RYR1-related disorders; RYR1-related condition. Identifiers: MedGen CN239331.

Allele frequency attached by ClinVar (database versions not stated): gnomAD exomes 0.00001 and 0.00002; ExAC 0.00002; TOPMed 0.00002; gnomAD 0.00003.
gnomAD v4.1: 20 of 1,614,002 alleles (0.0012%); highest among the groups gnomAD compares: Admixed American, 0.01%; no homozygotes.

Submissions (6):

GeneDx
Classification: Uncertain significance. Last evaluated: 2026-10-16. Review status: criteria provided, single submitter. Criteria: GeneDx Variant Classification Process June 2021. Collection method: clinical testing. Allele origin: germline.
Comment: Not observed at significant frequency in large population cohorts (gnomAD); In silico analysis supports that this missense variant has a deleterious effect on protein structure/function; Has not been previously published as pathogenic or benign to our knowledge; This variant is associated with the following publications: (PMID: 33767344)

Labcorp Genetics (formerly Invitae), Labcorp
Classification: Uncertain significance for RYR1-related disorder. Last evaluated: 2025-06-07. Review status: criteria provided, single submitter. Criteria: Invitae Variant Classification Sherloc (09022015). Collection method: clinical testing. Allele origin: germline.
Comment: This sequence change replaces arginine, which is basic and polar, with cysteine, which is neutral and slightly polar, at codon 124 of the RYR1 protein (p.Arg124Cys). This variant is present in population databases (rs765121148, gnomAD 0.01%). This variant has not been reported in the literature in individuals affected with RYR1-related conditions. ClinVar contains an entry for this variant (Variation ID: 842089). Invitae Evidence Modeling of protein sequence and biophysical properties (such as structural, functional, and spatial information, amino acid conservation, physicochemical variation, residue mobility, and thermodynamic stability) has been performed for this missense variant. However, the output from this modeling did not meet the statistical confidence thresholds required to predict the impact of this variant on RYR1 protein function. In summary, the available evidence is currently insufficient to determine the role of this variant in disease. Therefore, it has been classified as a Variant of Uncertain Significance.

All of Us Research Program, National Institutes of Health
Classification: Uncertain significance for Malignant hyperthermia, susceptibility to, 1. Last evaluated: 2024-06-17. Review status: criteria provided, single submitter. Criteria: ACMG Guidelines, 2015. Collection method: clinical testing. Allele origin: germline. Inheritance: Autosomal dominant inheritance. Observed: 5 variant alleles, 5 heterozygotes.
Comment: This missense variant replaces arginine with cysteine at codon 124 of the RYR1 protein. Computational prediction suggests that this variant may have deleterious impact on protein structure and function (internally defined REVEL score threshold >= 0.7, PMID: 27666373). To our knowledge, functional studies have not been reported for this variant. This variant has not been reported in individuals affected with RYR1-related disorders in the literature. This variant has been identified in 8/282784 chromosomes in the general population by the Genome Aggregation Database (gnomAD). The available evidence is insufficient to determine the role of this variant in disease conclusively. Therefore, this variant is classified as a Variant of Uncertain Significance.

This study involves interpretation of variants in research participants for the purpose of population health screening. Participant phenotype was not available at the time of variant classification. Additional details can be found in publication PMID: 35346344, PMCID: PMC8962531

Color Diagnostics, LLC DBA Color Health
Classification: Uncertain significance for Malignant hyperthermia, susceptibility to, 1. Last evaluated: 2024-03-06. Review status: criteria provided, single submitter. Criteria: ACMG Guidelines, 2015. Collection method: clinical testing. Allele origin: germline.
Comment: This missense variant replaces arginine with cysteine at codon 124 of the RYR1 protein. Computational prediction suggests that this variant may have deleterious impact on protein structure and function. To our knowledge, functional studies have not been reported for this variant. This variant has not been reported in individuals affected with RYR1-related disorders in the literature. This variant has been identified in 8/282784 chromosomes in the general population by the Genome Aggregation Database (gnomAD). The available evidence is insufficient to determine the role of this variant in disease conclusively. Therefore, this variant is classified as a Variant of Uncertain Significance.

Revvity Omics, Revvity
Classification: Uncertain significance. Last evaluated: 2022-10-27. Review status: criteria provided, single submitter. Criteria: ACMG Guidelines, 2015. Collection method: clinical testing. Allele origin: germline.

Fulgent Genetics
Classification: Uncertain significance for Central core myopathy; Malignant hyperthermia, susceptibility to, 1; Congenital myopathy 4A, autosomal dominant; Congenital multicore myopathy with external ophthalmoplegia; King Denborough syndrome. Last evaluated: 2022-02-07. Review status: criteria provided, single submitter. Criteria: ACMG Guidelines, 2015. Collection method: clinical testing. Allele origin: unknown.